The following is an entry in ClinVar:

ClinVar aggregate classification (germline): Pathogenic (1 of 4 stars; one submission).

Submission:

Labcorp Genetics (formerly Invitae), Labcorp
Classification: Pathogenic. Last evaluated: 2026-01-08. Review status: criteria provided, single submitter. Criteria: Invitae Variant Classification Sherloc (09022015). Collection method: clinical testing. Allele origin: germline.
Comment: This sequence change creates a premature translational stop signal (p.Arg543Glyfs*52) in the LPIN1 gene. It is expected to result in an absent or disrupted protein product. Loss-of-function variants in LPIN1 are known to be pathogenic (PMID: 18817903, 20583302, 22481384, 26111941). This variant is not present in population databases (gnomAD no frequency). This variant has not been reported in the literature in individuals affected with LPIN1-related conditions. For these reasons, this variant has been classified as Pathogenic.

Literature cited by the submitters: PubMed 18817903; PubMed 20583302; PubMed 22481384; PubMed 26111941.

NM_001349206.2(LPIN1):c.1735del (p.Arg579fs)

Gene: LPIN1 (lipin 1; plus strand). Cytogenetic location: 2p25.1.
Variant type: Deletion.
Coding change: c.1735del on transcript NM_001349206.2 (MANE Select); coding-DNA position 1735, one base deleted (A; older notation c.1735delA).
Protein change: p.Arg579fs; shifts the reading frame from arginine 579.
Molecular consequence: frameshift variant. On other transcripts: non-coding transcript variant (1).
Genome position (GRCh38, 1-based): chr2:11,791,935, A deleted. VCF-style (leftmost placement, unchanged base first): chr2-11791934-GA-G. GRCh37 (hg19) VCF-style: chr2-11932060-GA-G.
Other names: c.1645del, p.Arg549fs (NM_001261427.3); c.1882del, p.Arg628fs (NM_001261428.3); c.1627del, p.Arg543fs (NM_001349199.2, NM_145693.4); c.1705del, p.Arg569fs (NM_001349200.2, NM_001349201.2); c.1732del, p.Arg578fs (NM_001349202.2, NM_001349203.2); c.1735del, p.Arg579fs (NM_001349204.2, NM_001349205.2); c.1825del, p.Arg609fs (NM_001349207.2); c.1774del, p.Arg592fs (NM_001349208.2); short protein forms R543fs, R569fs, R579fs, R578fs, R549fs, R628fs, R592fs, R609fs.
Identifiers: ClinVar variation 4781861 (VCV004781861.1).
Genomic context (GRCh38, chr2:11,791,934, plus strand): 5'-TTTTTGTTCCATTATTTATGTTACCATCCATTTAAAACAGGCCACTGTGGAATCTATCAT[GA>G]GGGATAAAATGCCCAAAAAGGGAGGAAGATGGTGGTTTTCATGGAGGGGAAGAAACACCA-3'